The following is an entry in ClinVar:

NM_001042492.3(NF1):c.8437A>T (p.Thr2813Ser)

Gene: NF1 (neurofibromin 1; plus strand). Cytogenetic location: 17q11.2.
Variant type: single nucleotide variant.
Coding change: c.8437A>T on transcript NM_001042492.3 (MANE Select); coding-DNA position 8437, A replaced by T.
Protein change: p.Thr2813Ser; replaces threonine 2813 with serine.
Molecular consequence: missense variant.
Genome position (GRCh38, 1-based): chr17:31,374,072, A>T. VCF-style: chr17-31374072-A-T. GRCh37 (hg19) VCF-style: chr17-29701090-A-T.
Other names: c.8374A>T, p.Thr2792Ser (NM_000267.4); short protein forms T2792S, T2813S.
Identifiers: ClinVar variation 1470372 (VCV001470372.11), dbSNP rs1597883075, ClinGen allele CA399205974.
Genomic context (GRCh38, chr17:31,374,072, plus strand): 5'-GGAATCGACAAGGAGAACGTTGAACTCTCCCCTACCACTGGCCACTGTAACAGTGGACGA[A>T]CTCGCCACGGATCCGCAAGCCAAGTGCAGAAGCAAAGAAGCGCTGGCAGTTTCAAACGTA-3'
Protein context (NP_001035957.1, residues 2803-2823): PTTGHCNSGR[Thr2813Ser]RHGSASQVQK

ClinVar aggregate classification (germline): Conflicting classifications of pathogenicity. Review status: criteria provided, conflicting classifications (1 of 4 stars). 2 submissions from 2 submitters: Uncertain significance (1); Likely benign (1). Last evaluated 2024-09-17.

Conditions:
Cardiovascular phenotype. Identifiers: MedGen CN230736.
Hereditary cancer-predisposing syndrome. Also called: Neoplastic Syndromes, Hereditary; Hereditary Cancer Syndrome; Tumor predisposition; Hereditary neoplastic syndrome. Identifiers: Orphanet 140162, MedGen C0027672, MeSH D009386, MONDO:0015356.
Neurofibromatosis, type 1 (NF1). Also called: NEUROFIBROMATOSIS, TYPE I, SOMATIC; VON RECKLINGHAUSEN DISEASE; Peripheral type neurofibromatosis; Neurofibromatosis, type I. Identifiers: Orphanet 636, MedGen C0027831, MONDO:0018975, OMIM 162200. Disease mechanism: loss of function.

Allele frequency attached by ClinVar (database versions not stated): gnomAD exomes below 0.00001.
gnomAD v4.1: 1 of 1,614,084 alleles (0.000062%); highest among the groups gnomAD compares: African/African-American, 0.0013%; no homozygotes.

Submissions (2):

Labcorp Genetics (formerly Invitae), Labcorp
Classification: Uncertain significance for Neurofibromatosis, type 1. Last evaluated: 2024-09-17. Review status: criteria provided, single submitter. Criteria: Invitae Variant Classification Sherloc (09022015). Collection method: clinical testing. Allele origin: germline.
Comment: This sequence change replaces threonine, which is neutral and polar, with serine, which is neutral and polar, at codon 2792 of the NF1 protein (p.Thr2792Ser). This variant is not present in population databases (gnomAD no frequency). This variant has not been reported in the literature in individuals affected with NF1-related conditions. ClinVar contains an entry for this variant (Variation ID: 1470372). Invitae Evidence Modeling of protein sequence and biophysical properties (such as structural, functional, and spatial information, amino acid conservation, physicochemical variation, residue mobility, and thermodynamic stability) indicates that this missense variant is not expected to disrupt NF1 protein function with a negative predictive value of 95%. In summary, the available evidence is currently insufficient to determine the role of this variant in disease. Therefore, it has been classified as a Variant of Uncertain Significance.

Ambry Genetics
Classification: Likely benign for Cardiovascular phenotype; Hereditary cancer-predisposing syndrome. Last evaluated: 2024-08-29. Review status: criteria provided, single submitter. Criteria: Ambry Variant Classification Scheme 2023. Collection method: clinical testing. Allele origin: germline.